The following is an entry in ClinVar:

ClinVar aggregate classification (germline): Uncertain significance (1 of 4 stars; one submission).

Submission:

GeneDx
Classification: Uncertain significance. Last evaluated: 2025-05-27. Review status: criteria provided, single submitter. Criteria: GeneDx Variant Classification Process June 2021. Collection method: clinical testing. Allele origin: germline. Affected: yes.
Comment: Not observed at significant frequency in large population cohorts (gnomAD); In silico analysis suggests that this missense variant does not alter protein structure/function; Has not been previously published as pathogenic or benign to our knowledge

NM_001197104.2(KMT2A):c.10009T>G (p.Leu3337Val)

Gene: KMT2A (lysine methyltransferase 2A; plus strand). Cytogenetic location: 11q23.3.
Variant type: single nucleotide variant.
Coding change: c.10009T>G on transcript NM_001197104.2 (MANE Select); coding-DNA position 10009, T replaced by G.
Protein change: p.Leu3337Val; replaces leucine 3337 with valine.
Molecular consequence: missense variant.
Genome position (GRCh38, 1-based): chr11:118,505,901, T>G. VCF-style: chr11-118505901-T-G. GRCh37 (hg19) VCF-style: chr11-118376616-T-G.
Other names: c.10099T>G, p.Leu3367Val (NM_001412597.1); c.10000T>G, p.Leu3334Val (NM_005933.4); short protein forms L3334V, L3337V, L3367V.
Identifiers: ClinVar variation 4532350 (VCV004532350.1).